The following is an entry in ClinVar:

ClinVar aggregate classification (germline): Likely benign (1 of 4 stars; one submission).

Allele frequency attached by ClinVar (database versions not stated): TOPMed 0.00007; ESP Exome Variant Server 0.00008; gnomAD 0.00009.
gnomAD v4.1: 50 of 1,613,730 alleles (0.0031%); highest among the groups gnomAD compares: Non-Finnish European, 0.0042%; no homozygotes.

Submission:

CeGaT Center for Human Genetics Tuebingen
Classification: Likely benign. Last evaluated: 2023-07-01. Review status: criteria provided, single submitter. Criteria: CeGaT Center For Human Genetics Tuebingen Variant Classification Criteria Version 2. Collection method: clinical testing. Allele origin: germline. Affected: yes. Observed: 1 variant allele.
Comment: TANC2: BP4, BP7

NM_001394998.1(TANC2):c.3798C>T (p.Ile1266=)

Genes: TANC2 (tetratricopeptide repeat, ankyrin repeat and coiled-coil containing 2; plus strand), LOC105371856 (uncharacterized LOC105371856; minus strand). Cytogenetic location: 17q23.3.
Variant type: single nucleotide variant.
Coding change: c.3798C>T on transcript NM_001394998.1 (MANE Select); coding-DNA position 3798, C replaced by T.
Protein change: p.Ile1266=; no amino-acid change (isoleucine 1266 retained).
Molecular consequence: synonymous variant.
Genome position (GRCh38, 1-based): chr17:63,412,030, C>T. VCF-style: chr17-63412030-C-T. GRCh37 (hg19) VCF-style: chr17-61489391-C-T.
Other names: c.3576C>T, p.Ile1192= (NM_001411076.1, NM_025185.4).
Identifiers: ClinVar variation 2578794 (VCV002578794.25), dbSNP rs201127113, ClinGen allele CA8698096.